The following is an entry in ClinVar:

ClinVar aggregate classification (germline): Uncertain significance (1 of 4 stars; one submission).

Conditions:
Catecholaminergic polymorphic ventricular tachycardia 1. Also called: RYR2-Related Catecholaminergic Polymorphic Ventricular Tachycardia; VENTRICULAR TACHYCARDIA, CATECHOLAMINERGIC POLYMORPHIC, 1, WITH OR WITHOUT ATRIAL DYSFUNCTION AND/OR DILATED CARDIOMYOPATHY; VENTRICULAR TACHYCARDIA, STRESS-INDUCED POLYMORPHIC 1. Identifiers: Orphanet 3286, MedGen C1631597, MONDO:0011484, OMIM 604772.

Submission:

Labcorp Genetics (formerly Invitae), Labcorp
Classification: Uncertain significance for Catecholaminergic polymorphic ventricular tachycardia 1. Last evaluated: 2022-07-02. Review status: criteria provided, single submitter. Criteria: Invitae Variant Classification Sherloc (09022015). Collection method: clinical testing. Allele origin: germline.
Comment: This sequence change replaces valine, which is neutral and non-polar, with alanine, which is neutral and non-polar, at codon 3548 of the RYR2 protein (p.Val3548Ala). This variant is not present in population databases (gnomAD no frequency). This variant has not been reported in the literature in individuals affected with RYR2-related conditions. Algorithms developed to predict the effect of missense changes on protein structure and function are either unavailable or do not agree on the potential impact of this missense change (SIFT: "Deleterious"; PolyPhen-2: "Benign"; Align-GVGD: "Class C25"). In summary, the available evidence is currently insufficient to determine the role of this variant in disease. Therefore, it has been classified as a Variant of Uncertain Significance.

NM_001035.3(RYR2):c.10643T>C (p.Val3548Ala)

Gene: RYR2 (ryanodine receptor 2; plus strand). Cytogenetic location: 1q43.
Variant type: single nucleotide variant.
Coding change: c.10643T>C on transcript NM_001035.3 (MANE Select); coding-DNA position 10643, T replaced by C.
Protein change: p.Val3548Ala; replaces valine 3548 with alanine.
Molecular consequence: missense variant.
Genome position (GRCh38, 1-based): chr1:237,723,216, T>C. VCF-style: chr1-237723216-T-C. GRCh37 (hg19) VCF-style: chr1-237886516-T-C.
Other names: short protein forms V3548A.
Identifiers: ClinVar variation 1978133 (VCV001978133.5), dbSNP rs2547479388, ClinGen allele CA345416158.